The following is an entry in ClinVar:

NM_199420.4(POLQ):c.1826A>G (p.Tyr609Cys)

Gene: POLQ (DNA polymerase theta; minus strand). Cytogenetic location: 3q13.33.
Variant type: single nucleotide variant.
Coding change: c.1826A>G on transcript NM_199420.4 (MANE Select); coding-DNA position 1826, A replaced by G.
Protein change: p.Tyr609Cys; replaces tyrosine 609 with cysteine.
Molecular consequence: missense variant.
Genome position (GRCh38, 1-based): chr3:121,509,694, T>C on the plus strand (A>G on the coding strand, the complement: POLQ is on the minus strand). VCF-style: chr3-121509694-T-C. GRCh37 (hg19) VCF-style: chr3-121228541-T-C.
Other names: short protein forms Y609C.
Identifiers: ClinVar variation 1780839 (VCV001780839.2), dbSNP rs1010555022, ClinGen allele CA81851254.
Genomic context (GRCh38, chr3:121,509,694, plus strand): 5'-AAAGTATCAGCTGGAGAAAGTGAAGAAGAAAGAGTGGCCGAACCAAGATGTGTTGGATGA[T>C]ACACCTTTCCTGGTTTAGGGTTAGGGTGAGGAAACAGAGGAACAAACATTCAAAATAAAA-3'
Protein context (NP_955452.3, residues 599-619): EASDGTEGKV[Tyr609Cys]HPTHLGSATL

ClinVar aggregate classification (germline): Uncertain significance (1 of 4 stars; one submission).

Allele frequency attached by ClinVar (database versions not stated): gnomAD exomes below 0.00001; TOPMed 0.00002; gnomAD 0.00004.
gnomAD v4.1: 9 of 1,612,916 alleles (0.00056%); highest among the groups gnomAD compares: African/African-American, 0.012%; no homozygotes.

Submission:

Ambry Genetics
Classification: Uncertain significance. Last evaluated: 2023-10-22. Review status: criteria provided, single submitter. Criteria: Ambry Variant Classification Scheme 2023. Collection method: clinical testing. Allele origin: germline.
Comment: The p.Y609C variant (also known as c.1826A>G), located in coding exon 12 of the POLQ gene, results from an A to G substitution at nucleotide position 1826. The tyrosine at codon 609 is replaced by cysteine, an amino acid with highly dissimilar properties. This amino acid position is conserved. In addition, the in silico prediction for this alteration is inconclusive. Since supporting evidence is limited at this time, the clinical significance of this alteration remains unclear.